The following is an entry in ClinVar:

ClinVar aggregate classification (germline): Uncertain significance (1 of 4 stars; one submission).

Submission:

GeneDx
Classification: Uncertain significance. Last evaluated: 2025-11-13. Review status: criteria provided, single submitter. Criteria: GeneDx Variant Classification Process June 2021. Collection method: clinical testing. Allele origin: germline. Affected: yes.
Comment: Not observed at significant frequency in large population cohorts (gnomAD); In silico analysis supports that this missense variant has a deleterious effect on protein structure/function; Has not been previously published as pathogenic or benign to our knowledge

NM_001099922.3(ALG13):c.59T>C (p.Val20Ala)

Gene: ALG13 (ALG13 UDP-N-acetylglucosaminyltransferase subunit; plus strand). Cytogenetic location: Xq23.
Variant type: single nucleotide variant.
Coding change: c.59T>C on transcript NM_001099922.3 (MANE Select); coding-DNA position 59, T replaced by C.
Protein change: p.Val20Ala; replaces valine 20 with alanine.
Molecular consequence: missense variant. On other transcripts: 5 prime UTR variant (9), non-coding transcript variant (3).
Genome position (GRCh38, 1-based): chrX:111,681,277, T>C. VCF-style: chrX-111681277-T-C. GRCh37 (hg19) VCF-style: chrX-110924505-T-C.
Other names: c.59T>C, p.Val20Ala (NM_001039210.5, NM_001168385.3, NM_001324290.2 and 2 more transcripts); c.-150T>C (NM_001257230.2, NM_001324291.2); c.-242T>C (NM_001257231.2, NM_001257241.3); c.-275T>C (NM_001257234.2, NM_001257235.3); c.-379T>C (NM_001257237.2, NM_001257240.3, NM_001324293.1); short protein forms V20A.
Identifiers: ClinVar variation 386700 (VCV000386700.3), dbSNP rs1057522579, ClinGen allele CA16608677.